The following is an entry in ClinVar:

NM_005228.5(EGFR):c.3227C>T (p.Ala1076Val)

Gene: EGFR (epidermal growth factor receptor; plus strand). Cytogenetic location: 7p11.2.
Variant type: single nucleotide variant.
Coding change: c.3227C>T on transcript NM_005228.5 (MANE Select); coding-DNA position 3227, C replaced by T.
Protein change: p.Ala1076Val; replaces alanine 1076 with valine.
Molecular consequence: missense variant.
Genome position (GRCh38, 1-based): chr7:55,202,581, C>T. VCF-style: chr7-55202581-C-T. GRCh37 (hg19) VCF-style: chr7-55270274-C-T.
Other names: c.3092C>T, p.Ala1031Val (NM_001346897.2, NM_001346899.2); c.3227C>T, p.Ala1076Val (NM_001346898.2); c.3068C>T, p.Ala1023Val (NM_001346900.2); c.2426C>T, p.Ala809Val (NM_001346941.2); short protein forms A1031V, A809V, A1076V, A1023V.
Identifiers: ClinVar variation 1972401 (VCV001972401.7), dbSNP rs755868272, ClinGen allele CA4266328.
Genomic context (GRCh38, chr7:55,202,581, plus strand): 5'-AAAGCTGTCCCATCAAGGAAGACAGCTTCTTGCAGCGATACAGCTCAGACCCCACAGGCG[C>T]CTTGACTGAGGACAGCATAGACGACACCTTCCTCCCAGTGCCTGGTGAGTGGCTTGTCTG-3'
Protein context (NP_005219.2, residues 1066-1086): LQRYSSDPTG[Ala1076Val]LTEDSIDDTF

ClinVar aggregate classification (germline): Uncertain significance. Review status: criteria provided, multiple submitters, no conflicts (2 of 4 stars). 2 submissions from 2 submitters: Uncertain significance (2). Last evaluated 2025-08-20.

Conditions:
Hereditary cancer-predisposing syndrome. Also called: Tumor predisposition; Hereditary Cancer Syndrome; Hereditary neoplastic syndrome; Neoplastic Syndromes, Hereditary. Identifiers: Orphanet 140162, MedGen C0027672, MeSH D009386, MONDO:0015356.
EGFR-related lung cancer (EGFR). Identifiers: MedGen CN130014.

Allele frequency attached by ClinVar (database versions not stated): ExAC 0.00001; gnomAD 0.00003; TOPMed 0.00005.
gnomAD v4.1: 6 of 1,613,456 alleles (0.00037%); highest among the groups gnomAD compares: African/African-American, 0.008%; no homozygotes.

Submissions (2):

Labcorp Genetics (formerly Invitae), Labcorp
Classification: Uncertain significance for EGFR-related lung cancer. Last evaluated: 2025-08-20. Review status: criteria provided, single submitter. Criteria: Invitae Variant Classification Sherloc (09022015). Collection method: clinical testing. Allele origin: germline.
Comment: This sequence change replaces alanine, which is neutral and non-polar, with valine, which is neutral and non-polar, at codon 1076 of the EGFR protein (p.Ala1076Val). This variant is present in population databases (rs755868272, gnomAD 0.008%). This variant has not been reported in the literature in individuals affected with EGFR-related conditions. ClinVar contains an entry for this variant (Variation ID: 1972401). An algorithm developed to predict the effect of missense changes on protein structure and function outputs the following: PolyPhen-2: "Benign". The valine amino acid residue is found in multiple mammalian species, which suggests that this missense change does not adversely affect protein function. In summary, the available evidence is currently insufficient to determine the role of this variant in disease. Therefore, it has been classified as a Variant of Uncertain Significance.

Ambry Genetics
Classification: Uncertain significance for Hereditary cancer-predisposing syndrome. Last evaluated: 2025-08-06. Review status: criteria provided, single submitter. Criteria: Ambry Variant Classification Scheme 2023. Collection method: clinical testing. Allele origin: germline.